The following is an entry in ClinVar:

NM_001211.6(BUB1B):c.3022A>G (p.Thr1008Ala)

Genes: BUB1B (BUB1 mitotic checkpoint serine/threonine kinase B; plus strand), BUB1B-PAK6 (BUB1B-PAK6 readthrough; plus strand). Cytogenetic location: 15q15.1.
Variant type: single nucleotide variant.
Coding change: c.3022A>G on transcript NM_001211.6 (MANE Select); coding-DNA position 3022, A replaced by G.
Protein change: p.Thr1008Ala; replaces threonine 1008 with alanine.
Molecular consequence: missense variant. On other transcripts: intron variant (2).
Genome position (GRCh38, 1-based): chr15:40,220,628, A>G. VCF-style: chr15-40220628-A-G. GRCh37 (hg19) VCF-style: chr15-40512829-A-G.
Other names: c.-201+2961A>G (NM_001128628.3); c.-118+2961A>G (NM_001128629.3); short protein forms T1008A.
Identifiers: ClinVar variation 950342 (VCV000950342.12), dbSNP rs750610809, ClinGen allele CA7476184.

ClinVar aggregate classification (germline): Uncertain significance. Review status: criteria provided, multiple submitters, no conflicts (2 of 4 stars). 2 submissions from 2 submitters: Uncertain significance (2). Last evaluated 2024-02-13.

Conditions:
Mosaic variegated aneuploidy syndrome 1 (MVA1). Also called: Warburton-Anyane-Yeboa syndrome. Identifiers: Orphanet 1052, MedGen C1850343, MONDO:0009759, OMIM 257300.
Premature chromatid separation trait (PCS). Also called: TOTAL PREMATURE CHROMATID SEPARATION TRAIT. Identifiers: MedGen C1864389, MONDO:0008304, OMIM 176430.
Colorectal cancer. Also called: Malignant Colorectal Neoplasm; Colorectal cancer, somatic. Identifiers: MedGen C0346629, MONDO:0005575, OMIM 114500.

Allele frequency attached by ClinVar (database versions not stated): gnomAD 0.00001; gnomAD exomes 0.00001 and 0.00003; TOPMed 0.00001; ExAC 0.00002.
gnomAD v4.1: 41 of 1,614,120 alleles (0.0025%); highest among the groups gnomAD compares: Non-Finnish European, 0.0035%; no homozygotes.

Submissions (2):

Labcorp Genetics (formerly Invitae), Labcorp
Classification: Uncertain significance for Mosaic variegated aneuploidy syndrome 1. Last evaluated: 2024-02-13. Review status: criteria provided, single submitter. Criteria: Invitae Variant Classification Sherloc (09022015). Collection method: clinical testing. Allele origin: germline.
Comment: This sequence change replaces threonine, which is neutral and polar, with alanine, which is neutral and non-polar, at codon 1008 of the BUB1B protein (p.Thr1008Ala). This variant is present in population databases (rs750610809, gnomAD 0.003%). This variant has not been reported in the literature in individuals affected with BUB1B-related conditions. ClinVar contains an entry for this variant (Variation ID: 950342). An algorithm developed to predict the effect of missense changes on protein structure and function (PolyPhen-2) suggests that this variant is likely to be disruptive. In summary, the available evidence is currently insufficient to determine the role of this variant in disease. Therefore, it has been classified as a Variant of Uncertain Significance.

Fulgent Genetics
Classification: Uncertain significance for Colorectal cancer; Premature chromatid separation trait; Mosaic variegated aneuploidy syndrome 1. Last evaluated: 2022-01-12. Review status: criteria provided, single submitter. Criteria: ACMG Guidelines, 2015. Collection method: clinical testing. Allele origin: unknown.